The following is an entry in ClinVar:

ClinVar aggregate classification (germline): Pathogenic (1 of 4 stars; one submission).

Conditions:
Cholestasis, progressive familial intrahepatic, 7, with or without hearing loss. Identifiers: MedGen C5562043, MONDO:0030503, OMIM 619658.

Submission:

Center for Precision Genome Editing and Genetic Technologies for Biomedicine, Pirogov Russian National Research Medical University
Classification: Pathogenic for Cholestasis, progressive familial intrahepatic, 7, with or without hearing loss. Review status: criteria provided, single submitter. Criteria: ACMG Guidelines, 2015. Collection method: clinical testing. Allele origin: biparental. Inheritance: Autosomal recessive inheritance. Affected: yes. Observed: 1 homozygote.
Comment: USP53(NM_001389659.1):c.1219A>T (p.Lys407Ter) is a nonsense variant that leads to the formation of a premature stop codon, which will result in a reduction in the amount of protein product - PVS1. This variant has not been detected in control samples nor in patients with сholestasis, progressive familial intrahepatic, 7, with or without hearing loss, OMIM: 619658, hence the PM2 criterion applies. BayesDel addAF and BayesDel no AF programs are considered a pathogenic option, PP3 criterion.

NM_001371395.1(USP53):c.1219A>T (p.Lys407Ter)

Gene: USP53 (ubiquitin specific peptidase 53; plus strand). Cytogenetic location: 4q26.
Variant type: single nucleotide variant.
Coding change: c.1219A>T on transcript NM_001371395.1 (MANE Select); coding-DNA position 1219, A replaced by T.
Protein change: p.Lys407Ter; replaces lysine 407 with a stop codon.
Molecular consequence: nonsense. On other transcripts: intron variant (4).
Genome position (GRCh38, 1-based): chr4:119,268,351, A>T. VCF-style: chr4-119268351-A-T. GRCh37 (hg19) VCF-style: chr4-120189506-A-T.
Other names: c.1219A>T, p.Lys407Ter (NM_001371397.1, NM_001371398.1, NM_001371399.1 and 3 more transcripts); c.1069A>T, p.Lys357Ter (NM_001389660.1); c.871A>T, p.Lys291Ter (NM_001389662.1, NM_001389663.1, NM_001389664.1 and 1 more transcripts); c.1135+869A>T (NM_001389661.1, NM_001371396.1); c.787+869A>T (NM_001389667.1, NM_001389665.1); short protein forms K291*, K357*, K407*.
Identifiers: ClinVar variation 3572956 (VCV003572956.2).